The following is an entry in ClinVar:

NM_001136193.2(FASTKD2):c.170A>G (p.Asn57Ser)

Gene: FASTKD2 (FAST kinase domains 2; plus strand). Cytogenetic location: 2q33.3.
Variant type: single nucleotide variant.
Coding change: c.170A>G on transcript NM_001136193.2 (MANE Select); coding-DNA position 170, A replaced by G.
Protein change: p.Asn57Ser; replaces asparagine 57 with serine.
Molecular consequence: missense variant.
Genome position (GRCh38, 1-based): chr2:206,766,863, A>G. VCF-style: chr2-206766863-A-G. GRCh37 (hg19) VCF-style: chr2-207631587-A-G.
Other names: c.170A>G, p.Asn57Ser (NM_001136194.2, NM_014929.4); short protein forms N57S.
Identifiers: ClinVar variation 2504554 (VCV002504554.3), dbSNP rs368791899, ClinGen allele CA2074835.

ClinVar aggregate classification (germline): Uncertain significance. Review status: criteria provided, multiple submitters, no conflicts (2 of 4 stars). 2 submissions from 2 submitters: Uncertain significance (2). Last evaluated 2025-06-24.

Allele frequency attached by ClinVar (database versions not stated): gnomAD exomes 0.00001; ExAC 0.00002; ESP Exome Variant Server 0.00008; gnomAD 0.00008; TOPMed 0.00011; 1000 Genomes Project 30x 0.00016; 1000 Genomes Project 0.00020.
gnomAD v4.1: 24 of 1,605,000 alleles (0.0015%); highest among the groups gnomAD compares: African/African-American, 0.031%; no homozygotes.

Submissions (2):

Labcorp Genetics (formerly Invitae), Labcorp
Classification: Uncertain significance. Last evaluated: 2025-06-24. Review status: criteria provided, single submitter. Criteria: Invitae Variant Classification Sherloc (09022015). Collection method: clinical testing. Allele origin: germline.
Comment: This sequence change replaces asparagine, which is neutral and polar, with serine, which is neutral and polar, at codon 57 of the FASTKD2 protein (p.Asn57Ser). This variant is present in population databases (rs368791899, gnomAD 0.05%). This variant has not been reported in the literature in individuals affected with FASTKD2-related conditions. ClinVar contains an entry for this variant (Variation ID: 2504554). An algorithm developed to predict the effect of missense changes on protein structure and function outputs the following: PolyPhen-2: "Benign". The serine amino acid residue is found in multiple mammalian species, which suggests that this missense change does not adversely affect protein function. In summary, the available evidence is currently insufficient to determine the role of this variant in disease. Therefore, it has been classified as a Variant of Uncertain Significance.

GeneDx
Classification: Uncertain significance. Last evaluated: 2024-08-14. Review status: criteria provided, single submitter. Criteria: GeneDx Variant Classification Process June 2021. Collection method: clinical testing. Allele origin: germline. Affected: yes.
Comment: In silico analysis supports that this missense variant has a deleterious effect on protein structure/function; Has not been previously published as pathogenic or benign to our knowledge